The following is an entry in ClinVar:

NM_001270508.2(TNFAIP3):c.1039G>A (p.Glu347Lys)

Gene: TNFAIP3 (TNF alpha induced protein 3; plus strand). Cytogenetic location: 6q23.3.
Variant type: single nucleotide variant.
Coding change: c.1039G>A on transcript NM_001270508.2 (MANE Select); coding-DNA position 1039, G replaced by A.
Protein change: p.Glu347Lys; replaces glutamic acid 347 with lysine.
Molecular consequence: missense variant.
Genome position (GRCh38, 1-based): chr6:137,878,484, G>A. VCF-style: chr6-137878484-G-A. GRCh37 (hg19) VCF-style: chr6-138199621-G-A.
Other names: c.1039G>A, p.Glu347Lys (NM_001270507.2, NM_006290.4); short protein forms E347K.
Identifiers: ClinVar variation 2819687 (VCV002819687.3), dbSNP rs2114496466, ClinGen allele CA365788232.

ClinVar aggregate classification (germline): Uncertain significance (1 of 4 stars; one submission).

Submission:

Labcorp Genetics (formerly Invitae), Labcorp
Classification: Uncertain significance. Last evaluated: 2022-12-09. Review status: criteria provided, single submitter. Criteria: Invitae Variant Classification Sherloc (09022015). Collection method: clinical testing. Allele origin: germline.
Comment: This sequence change replaces glutamic acid, which is acidic and polar, with lysine, which is basic and polar, at codon 347 of the TNFAIP3 protein (p.Glu347Lys). This variant is not present in population databases (gnomAD no frequency). This variant has not been reported in the literature in individuals affected with TNFAIP3-related conditions. Advanced modeling of protein sequence and biophysical properties (such as structural, functional, and spatial information, amino acid conservation, physicochemical variation, residue mobility, and thermodynamic stability) performed at Invitae indicates that this missense variant is not expected to disrupt TNFAIP3 protein function. In summary, the available evidence is currently insufficient to determine the role of this variant in disease. Therefore, it has been classified as a Variant of Uncertain Significance.